The following is an entry in ClinVar:

NM_002382.5(MAX):c.22G>T (p.Glu8Ter)

Genes: MAX (MYC associated transcriptional regulator X; minus strand), LOC130055850 (ATAC-STARR-seq lymphoblastoid silent region 5847; plus strand). Cytogenetic location: 14q23.3.
Variant type: single nucleotide variant.
Coding change: c.22G>T on transcript NM_002382.5 (MANE Select); coding-DNA position 22, G replaced by T.
Protein change: p.Glu8Ter; replaces glutamic acid 8 with a stop codon.
Molecular consequence: nonsense. On other transcripts: 5 prime UTR variant (1).
Genome position (GRCh38, 1-based): chr14:65,102,318, C>A on the plus strand (G>T on the coding strand, the complement: MAX is on the minus strand). VCF-style: chr14-65102318-C-A. GRCh37 (hg19) VCF-style: chr14-65569036-C-A.
Other names: c.22G>T, p.Glu8Ter (NM_001271068.2, NM_001271069.2, NM_145112.3 and 3 more transcripts); c.-253G>T (NM_001320415.2); short protein forms E8*.
Identifiers: ClinVar variation 821060 (VCV000821060.14), dbSNP rs752477890, ClinGen allele CA7233037.
Genomic context (GRCh38, chr14:65,102,318, plus strand): 5'-CCCCGCCTGACAACCCGCACGGGAAGGAAGAAGCCCCAGGACTCACGTCGCTCTCCACCT[C>A]GATGTCATCGTTATCGCTCATTTCCTACGGCCCAGGGAGCGGCCACTGCAGCGGCGGCGG-3'

ClinVar aggregate classification (germline): Pathogenic. Review status: criteria provided, multiple submitters, no conflicts (2 of 4 stars). 3 submissions from 3 submitters: Pathogenic (2). 1 of the submissions does not count toward it. Last evaluated 2020-03-17.

Conditions:
Hereditary cancer-predisposing syndrome. Also called: Tumor predisposition; Hereditary Cancer Syndrome; Hereditary neoplastic syndrome; Neoplastic Syndromes, Hereditary. Identifiers: Orphanet 140162, MedGen C0027672, MeSH D009386, MONDO:0015356.
Hereditary pheochromocytoma and paraganglioma. Also called: Hereditary pheochromocytoma-paraganglioma; Hereditary paragangliomas and pheochromocytomas; Hereditary Paraganglioma-Pheochromocytoma Syndromes. Identifiers: Orphanet 29072, MedGen C4274332, MONDO:0017366.
MULTIPLE ENDOCRINE NEOPLASIA, TYPE V (MEN5). Identifiers: MedGen CN382240, OMIM 621678.

Allele frequency attached by ClinVar (database versions not stated): ExAC below 0.00001.

Submissions (3):

Labcorp Genetics (formerly Invitae), Labcorp
Classification: Pathogenic for Hereditary pheochromocytoma and paraganglioma. Last evaluated: 2020-03-17. Review status: criteria provided, single submitter. Criteria: Invitae Variant Classification Sherloc (09022015). Collection method: clinical testing. Allele origin: germline.
Comment: This sequence change creates a premature translational stop signal (p.Glu8*) in the MAX gene. It is expected to result in an absent or disrupted protein product. The frequency data for this variant in the population databases is considered unreliable, as metrics indicate poor data quality at this position in the ExAC database. This variant has not been reported in the literature in individuals with MAX-related disease. Loss-of-function variants in MAX are known to be pathogenic (PMID: 21685915, 26070438). For these reasons, this variant has been classified as Pathogenic.

Ambry Genetics
Classification: Pathogenic for Hereditary cancer-predisposing syndrome. Last evaluated: 2018-03-26. Review status: criteria provided, single submitter. Criteria: Ambry Variant Classification Scheme 2023. Collection method: clinical testing. Allele origin: germline.
Comment: The p.E8* pathogenic mutation (also known as c.22G>T), located in coding exon 1 of the MAX gene, results from a G to T substitution at nucleotide position 22. This changes the amino acid from a glutamic acid to a stop codon within coding exon 1. This alteration is expected to result in loss of function by premature protein truncation or nonsense-mediated mRNA decay. As such, this alteration is interpreted as a disease-causing mutation.

OMIM
Classification: Pathogenic for MULTIPLE ENDOCRINE NEOPLASIA, TYPE V. Last evaluated: 2026-08-26. Review status: no assertion criteria provided. Collection method: literature only. Allele origin: germline. Not counted in ClinVar's aggregate classification.

Literature cited by the submitters: PubMed 21685915 (cited by Labcorp Genetics (formerly Invitae), Labcorp); PubMed 26070438 (cited by Labcorp Genetics (formerly Invitae), Labcorp); PubMed 33367756 (cited by OMIM).